The following is an entry in ClinVar:

ClinVar aggregate classification (germline): Uncertain significance (1 of 4 stars; one submission).

Conditions:
Nemaline myopathy 2 (NEM2). Also called: Nemaline myopathy 2, autosomal recessive. Identifiers: MedGen C1850569, MONDO:0009725, OMIM 256030.

gnomAD v4.1: 5 of 1,611,978 alleles (0.00031%); highest among the groups gnomAD compares: Non-Finnish European, 0.00042%; no homozygotes.

Submission:

Labcorp Genetics (formerly Invitae), Labcorp
Classification: Uncertain significance for Nemaline myopathy 2. Last evaluated: 2022-06-27. Review status: criteria provided, single submitter. Criteria: Invitae Variant Classification Sherloc (09022015). Collection method: clinical testing. Allele origin: germline.
Comment: This sequence change replaces methionine, which is neutral and non-polar, with arginine, which is basic and polar, at codon 8278 of the NEB protein (p.Met8278Arg). This variant is not present in population databases (gnomAD no frequency). This variant has not been reported in the literature in individuals affected with NEB-related conditions. Algorithms developed to predict the effect of missense changes on protein structure and function are either unavailable or do not agree on the potential impact of this missense change (SIFT: "Deleterious"; PolyPhen-2: "Not Available"; Align-GVGD: "Class C0"). Algorithms developed to predict the effect of sequence changes on RNA splicing suggest that this variant may disrupt the consensus splice site. In summary, the available evidence is currently insufficient to determine the role of this variant in disease. Therefore, it has been classified as a Variant of Uncertain Significance.

NM_001164508.2(NEB):c.24728T>G (p.Met8243Arg)

Genes: NEB (nebulin; minus strand), RIF1 (replication timing regulatory factor 1; plus strand). Cytogenetic location: 2q23.3.
Variant type: single nucleotide variant.
Coding change: c.24728T>G on transcript NM_001164508.2 (MANE Select); coding-DNA position 24728, T replaced by G.
Protein change: p.Met8243Arg; replaces methionine 8243 with arginine.
Molecular consequence: missense variant.
Genome position (GRCh38, 1-based): chr2:151,493,390, A>C on the plus strand (T>G on the coding strand, the complement: NEB is on the minus strand). VCF-style: chr2-151493390-A-C. GRCh37 (hg19) VCF-style: chr2-152349904-A-C.
Other names: c.24728T>G, p.Met8243Arg (NM_001164507.2); c.24833T>G, p.Met8278Arg (NM_001271208.2); c.19160T>G, p.Met6387Arg (NM_004543.5); short protein forms M8243R, M6387R, M8278R.
Identifiers: ClinVar variation 1409374 (VCV001409374.5), dbSNP rs778196202, ClinGen allele CA348774728.
Genomic context (GRCh38, chr2:151,493,390, plus strand): 5'-TTCTTTTTAGTCCTAGAAAATACCGAGCTAATGTTTTCTTGGTTGCGCTTAGCTCTCTCC[A>C]TCTCTGGAGTAACAGGTGTCGGAGTTGCTTTTCTCATGTTCTCTTTGTACAATACCTAGG-3'
Protein context (NP_001157980.2, residues 8233-8253): KATPTPVTPE[Met8243Arg]ERAKRNQENI